The following is an entry in ClinVar:

NM_004586.3(RPS6KA3):c.1906G>A (p.Gly636Arg)

Gene: RPS6KA3 (ribosomal protein S6 kinase A3; minus strand). Cytogenetic location: Xp22.12.
Variant type: single nucleotide variant.
Coding change: c.1906G>A on transcript NM_004586.3 (MANE Select); coding-DNA position 1906, G replaced by A.
Protein change: p.Gly636Arg; replaces glycine 636 with arginine.
Molecular consequence: missense variant.
Genome position (GRCh38, 1-based): chrX:20,161,697, C>T on the plus strand (G>A on the coding strand, the complement: RPS6KA3 is on the minus strand). VCF-style: chrX-20161697-C-T. GRCh37 (hg19) VCF-style: chrX-20179815-C-T.
Other names: short protein forms G636R.
Identifiers: ClinVar variation 4071641 (VCV004071641.1).
Genomic context (GRCh38, chrX:20,161,697, plus strand): 5'-TACTTACCTTTGCTGTGTCTGAAACAGAATTCCAGTAACCACCACTGAGTGAGAATTTTC[C>T]GCTACCTATTCGTGCCAATATTTCCTCTGGTGTATCATCAGGACCATTTGCAAATGGAGT-3'
Protein context (NP_004577.1, residues 626-646): PEEILARIGS[Gly636Arg]KFSLSGGYWN

ClinVar aggregate classification (germline): Uncertain significance (1 of 4 stars; one submission).

gnomAD v4.1: 4 of 1,175,226 alleles (0.00034%); highest among the groups gnomAD compares: Non-Finnish European, 0.00046%; no homozygotes.

Submission:

GeneDx
Classification: Uncertain significance. Last evaluated: 2025-01-21. Review status: criteria provided, single submitter. Criteria: GeneDx Variant Classification Process June 2021. Collection method: clinical testing. Allele origin: germline. Affected: yes.
Comment: Not observed at significant frequency in large population cohorts (gnomAD); In silico analysis supports that this missense variant has a deleterious effect on protein structure/function; Has not been previously published as pathogenic or benign to our knowledge